The following is an entry in ClinVar:

NM_005431.2(XRCC2):c.842G>A (p.Ter281=)

Gene: XRCC2 (X-ray repair cross complementing 2; minus strand). Cytogenetic location: 7q36.1.
Variant type: single nucleotide variant.
Coding change: c.842G>A on transcript NM_005431.2 (MANE Select); coding-DNA position 842, G replaced by A.
Protein change: p.Ter281=.
Molecular consequence: synonymous variant.
Genome position (GRCh38, 1-based): chr7:152,648,643, C>T on the plus strand (G>A on the coding strand, the complement: XRCC2 is on the minus strand). VCF-style: chr7-152648643-C-T. GRCh37 (hg19) VCF-style: chr7-152345728-C-T.
Identifiers: ClinVar variation 391235 (VCV000391235.11), dbSNP rs757510359, ClinGen allele CA4582283.

ClinVar aggregate classification (germline): Likely benign. Review status: criteria provided, multiple submitters, no conflicts (2 of 4 stars). 3 submissions from 3 submitters: Likely benign (3). Last evaluated 2024-02-20.

Conditions:
Hereditary cancer-predisposing syndrome. Also called: Neoplastic Syndromes, Hereditary; Hereditary Cancer Syndrome; Tumor predisposition; Hereditary neoplastic syndrome. Identifiers: Orphanet 140162, MedGen C0027672, MeSH D009386, MONDO:0015356.

Allele frequency attached by ClinVar (database versions not stated): TOPMed below 0.00001; ExAC 0.00001; gnomAD 0.00001; gnomAD exomes 0.00001.
gnomAD v4.1: 13 of 1,591,586 alleles (0.00082%); highest among the groups gnomAD compares: Middle Eastern, 0.018%; no homozygotes.

Submissions (3):

Labcorp Genetics (formerly Invitae), Labcorp
Classification: Likely benign. Last evaluated: 2024-02-20. Review status: criteria provided, single submitter. Criteria: Invitae Variant Classification Sherloc (09022015). Collection method: clinical testing. Allele origin: germline.

Ambry Genetics
Classification: Likely benign for Hereditary cancer-predisposing syndrome. Last evaluated: 2020-02-28. Review status: criteria provided, single submitter. Criteria: Ambry Variant Classification Scheme 2023. Collection method: clinical testing. Allele origin: germline.

GeneDx
Classification: Likely benign. Last evaluated: 2016-11-30. Review status: criteria provided, single submitter. Criteria: GeneDx Variant Classification (06012015). Collection method: clinical testing. Allele origin: germline. Affected: yes.
Comment: This variant is considered likely benign or benign based on one or more of the following criteria: it is a conservative change, it occurs at a poorly conserved position in the protein, it is predicted to be benign by multiple in silico algorithms, and/or has population frequency not consistent with disease.